The following is an entry in ClinVar:

ClinVar aggregate classification (germline): Likely benign. Review status: criteria provided, multiple submitters, no conflicts (2 of 4 stars). 2 submissions from 2 submitters: Likely benign (2). Last evaluated 2023-09-25.

Allele frequency attached by ClinVar (database versions not stated): ExAC 0.00002; gnomAD exomes 0.00002; gnomAD 0.00003 and 0.00004; TOPMed 0.00003; ESP Exome Variant Server 0.00008.
gnomAD v4.1: 31 of 1,613,832 alleles (0.0019%); highest among the groups gnomAD compares: Admixed American, 0.0067%; no homozygotes.

Submissions (2):

Labcorp Genetics (formerly Invitae), Labcorp
Classification: Likely benign. Last evaluated: 2023-09-25. Review status: criteria provided, single submitter. Criteria: Invitae Variant Classification Sherloc (09022015). Collection method: clinical testing. Allele origin: germline.

GeneDx
Classification: Likely benign. Last evaluated: 2018-03-09. Review status: criteria provided, single submitter. Criteria: GeneDx Variant Classification (06012015). Collection method: clinical testing. Allele origin: germline. Affected: yes.
Comment: This variant is considered likely benign or benign based on one or more of the following criteria: it is a conservative change, it occurs at a poorly conserved position in the protein, it is predicted to be benign by multiple in silico algorithms, and/or has population frequency not consistent with disease.

NM_014317.5(PDSS1):c.552C>T (p.Asp184=)

Gene: PDSS1 (decaprenyl diphosphate synthase subunit 1; plus strand). Cytogenetic location: 10p12.1.
Variant type: single nucleotide variant.
Coding change: c.552C>T on transcript NM_014317.5 (MANE Select); coding-DNA position 552, C replaced by T.
Protein change: p.Asp184=; no amino-acid change (aspartic acid 184 retained).
Molecular consequence: synonymous variant.
Genome position (GRCh38, 1-based): chr10:26,720,302, C>T. VCF-style: chr10-26720302-C-T. GRCh37 (hg19) VCF-style: chr10-27009231-C-T.
Other names: c.552C>T, p.Asp184= (NM_001321978.2); c.42C>T, p.Asp14= (NM_001321979.2).
Identifiers: ClinVar variation 516463 (VCV000516463.7), dbSNP rs139094994, ClinGen allele CA5446957.
Genomic context (GRCh38, chr10:26,720,302, plus strand): 5'-CATAGCCTTAATTGCAGAAATGATCCACACTGCTAGTCTGGTTCACGATGACGTTATTGA[C>T]GATGCAAGTTCTCGAAGAGGAAAACACACAGTTAATAAGATCTGGGGTGAAAAGAAGGTA-3'
Protein context (NP_055132.2, residues 174-194): TASLVHDDVI[Asp184=]DASSRRGKHT